The following is an entry in ClinVar:

ClinVar aggregate classification (germline): Uncertain significance (1 of 4 stars; one submission).

gnomAD v4.1: 2 of 1,612,380 alleles (0.00012%); highest among the groups gnomAD compares: African/African-American, 0.0013%; no homozygotes.

Submission:

Labcorp Genetics (formerly Invitae), Labcorp
Classification: Uncertain significance. Last evaluated: 2022-03-20. Review status: criteria provided, single submitter. Criteria: Invitae Variant Classification Sherloc (09022015). Collection method: clinical testing. Allele origin: germline.
Comment: In summary, the available evidence is currently insufficient to determine the role of this variant in disease. Therefore, it has been classified as a Variant of Uncertain Significance. Algorithms developed to predict the effect of missense changes on protein structure and function are either unavailable or do not agree on the potential impact of this missense change (SIFT: "Tolerated"; PolyPhen-2: "Possibly Damaging"; Align-GVGD: "Class C0"). This variant has not been reported in the literature in individuals affected with ROM1-related conditions. This variant is present in population databases (no rsID available, gnomAD 0.007%). This sequence change replaces glycine, which is neutral and non-polar, with arginine, which is basic and polar, at codon 112 of the ROM1 protein (p.Gly112Arg).

NM_000327.4(ROM1):c.334G>C (p.Gly112Arg)

Gene: ROM1 (retinal outer segment membrane protein 1; plus strand). Cytogenetic location: 11q12.3.
Variant type: single nucleotide variant.
Coding change: c.334G>C on transcript NM_000327.4 (MANE Select); coding-DNA position 334, G replaced by C.
Protein change: p.Gly112Arg; replaces glycine 112 with arginine.
Molecular consequence: missense variant.
Genome position (GRCh38, 1-based): chr11:62,613,615, G>C. VCF-style: chr11-62613615-G-C. GRCh37 (hg19) VCF-style: chr11-62381087-G-C.
Other names: short protein forms G112R.
Identifiers: ClinVar variation 2164152 (VCV002164152.3), dbSNP rs752310749, ClinGen allele CA380969381.
Genomic context (GRCh38, chr11:62,613,615, plus strand): 5'-CTATACCCTCCCTGGCGAGGGGTCCTGGGCCCGCTGCTGGTGGCTGGCACGGCTGGTGGG[G>C]GGGGGCTCCTGGTCGTCGGCCTCGGGCTAGCCCTGGCTTTGCCTGGGAGTCTGGATGAGG-3'
Protein context (NP_000318.2, residues 102-122): PLLVAGTAGG[Gly112Arg]GLLVVGLGLA